The following is an entry in ClinVar:

NM_001244008.2(KIF1A):c.3838G>A (p.Val1280Met)

Genes: KIF1A (kinesin family member 1A; minus strand), LOC126806583 (P300/CBP strongly-dependent group 1 enhancer GRCh37_chr2:241678910-241680109; plus strand). Cytogenetic location: 2q37.3.
Variant type: single nucleotide variant.
Coding change: c.3838G>A on transcript NM_001244008.2 (MANE Select); coding-DNA position 3838, G replaced by A.
Protein change: p.Val1280Met; replaces valine 1280 with methionine.
Molecular consequence: missense variant.
Genome position (GRCh38, 1-based): chr2:240,740,121, C>T on the plus strand (G>A on the coding strand, the complement: KIF1A is on the minus strand). VCF-style: chr2-240740121-C-T. GRCh37 (hg19) VCF-style: chr2-241679538-C-T.
Other names: c.3562G>A, p.Val1188Met (NM_001320705.2, NM_001330289.2, NM_001379638.1); c.3637G>A, p.Val1213Met (NM_001330290.2, NM_001379634.1, NM_001379635.1 and 1 more transcripts); c.3913G>A, p.Val1305Met (NM_001379631.1); c.3787G>A, p.Val1263Met (NM_001379632.1); c.3811G>A, p.Val1271Met (NM_001379633.1, NM_001379642.1, NM_001379645.1); c.3535G>A, p.Val1179Met (NM_001379636.1, NM_001379639.1, NM_001379641.1 and 6 more transcripts); c.3610G>A, p.Val1204Met (NM_001379637.1, NM_001379648.1); c.3532G>A, p.Val1178Met (NM_001379640.1); short protein forms V1178M, V1204M, V1263M, V1179M, V1305M, V1213M, V1280M, V1188M.
Identifiers: ClinVar variation 2953908 (VCV002953908.3), dbSNP rs2537143111, ClinGen allele CA351314521.

ClinVar aggregate classification (germline): Uncertain significance (1 of 4 stars; one submission).

Conditions:
Neuropathy, hereditary sensory, type 2C. Also called: KIF1A-Related HSAN2 (HSAN2C); Hereditary sensory and autonomic neuropathy type IIC. Identifiers: Orphanet 970, MedGen C3280168, MONDO:0013634, OMIM 614213.
Hereditary spastic paraplegia 30. Identifiers: Orphanet 101010, MedGen C5235139, MONDO:0012476.
Intellectual disability, autosomal dominant 9 (NESCAVS). Also called: NESCAV SYNDROME; KIF1A-Related Neurodevelopmental Disorder. Identifiers: Orphanet 662367, MedGen C5393830, MONDO:0013656, OMIM 614255.

Submission:

Labcorp Genetics (formerly Invitae), Labcorp
Classification: Uncertain significance for Hereditary spastic paraplegia 30; Neuropathy, hereditary sensory, type 2C; Intellectual disability, autosomal dominant 9. Last evaluated: 2023-12-13. Review status: criteria provided, single submitter. Criteria: Invitae Variant Classification Sherloc (09022015). Collection method: clinical testing. Allele origin: germline.
Comment: This sequence change replaces valine, which is neutral and non-polar, with methionine, which is neutral and non-polar, at codon 1179 of the KIF1A protein (p.Val1179Met). This variant is not present in population databases (gnomAD no frequency). This variant has not been reported in the literature in individuals affected with KIF1A-related conditions. Advanced modeling of protein sequence and biophysical properties (such as structural, functional, and spatial information, amino acid conservation, physicochemical variation, residue mobility, and thermodynamic stability) performed at Invitae indicates that this missense variant is not expected to disrupt KIF1A protein function with a negative predictive value of 95%. In summary, the available evidence is currently insufficient to determine the role of this variant in disease. Therefore, it has been classified as a Variant of Uncertain Significance.